The following is an entry in ClinVar:

NM_000038.6(APC):c.2237G>C (p.Gly746Ala)

Gene: APC (APC regulator of Wnt signaling pathway; plus strand). Cytogenetic location: 5q22.2.
Variant type: single nucleotide variant.
Coding change: c.2237G>C on transcript NM_000038.6 (MANE Select); coding-DNA position 2237, G replaced by C.
Protein change: p.Gly746Ala; replaces glycine 746 with alanine.
Molecular consequence: missense variant.
Genome position (GRCh38, 1-based): chr5:112,837,831, G>C. VCF-style: chr5-112837831-G-C. GRCh37 (hg19) VCF-style: chr5-112173528-G-C.
Other names: c.2237G>C, p.Gly746Ala (NM_001127510.3, NM_001354895.2); c.2183G>C, p.Gly728Ala (NM_001127511.3); c.2291G>C, p.Gly764Ala (NM_001354896.2); c.2267G>C, p.Gly756Ala (NM_001354897.2); c.2162G>C, p.Gly721Ala (NM_001354898.2); c.2153G>C, p.Gly718Ala (NM_001354899.2); c.2114G>C, p.Gly705Ala (NM_001354900.2); c.2060G>C, p.Gly687Ala (NM_001354901.2); and 5 more; short protein forms G728A, G764A, G586A, G655A, G756A, G463A, G705A, G620A.
Identifiers: ClinVar variation 943231 (VCV000943231.1), dbSNP rs1451093917, ClinGen allele CA16026235.

ClinVar aggregate classification (germline): Uncertain significance (1 of 4 stars; one submission).

Conditions:
Familial adenomatous polyposis 1 (FAP1). Also called: POLYPOSIS, ADENOMATOUS INTESTINAL; FAMILIAL ADENOMATOUS POLYPOSIS 1, ATTENUATED. Identifiers: MedGen C2713442, MONDO:0021056, OMIM 175100. Disease mechanism: loss of function.

Submission:

Labcorp Genetics (formerly Invitae), Labcorp
Classification: Uncertain significance for Familial adenomatous polyposis 1. Last evaluated: 2019-06-17. Review status: criteria provided, single submitter. Criteria: Invitae Variant Classification Sherloc (09022015). Collection method: clinical testing. Allele origin: germline.
Comment: This sequence change replaces glycine with alanine at codon 746 of the APC protein (p.Gly746Ala). The glycine residue is highly conserved and there is a small physicochemical difference between glycine and alanine. This variant is not present in population databases (ExAC no frequency). This variant has not been reported in the literature in individuals with APC-related conditions. Algorithms developed to predict the effect of missense changes on protein structure and function are either unavailable or do not agree on the potential impact of this missense change (SIFT: "Deleterious"; PolyPhen-2: "Probably Damaging"; Align-GVGD: "Class C0"). In summary, the available evidence is currently insufficient to determine the role of this variant in disease. Therefore, it has been classified as a Variant of Uncertain Significance.